The following is an entry in ClinVar:

NM_004260.4(RECQL4):c.1333A>G (p.Ser445Gly)

Gene: RECQL4 (RecQ like helicase 4; minus strand). Cytogenetic location: 8q24.3.
Variant type: single nucleotide variant.
Coding change: c.1333A>G on transcript NM_004260.4 (MANE Select); coding-DNA position 1333, A replaced by G.
Protein change: p.Ser445Gly; replaces serine 445 with glycine.
Molecular consequence: missense variant.
Genome position (GRCh38, 1-based): chr8:144,515,383, T>C on the plus strand (A>G on the coding strand, the complement: RECQL4 is on the minus strand). VCF-style: chr8-144515383-T-C. GRCh37 (hg19) VCF-style: chr8-145740767-T-C.
Other names: c.1333A>G (NM_004260.3); c.1237A>G, p.Ser413Gly (NM_001413017.1, NM_001413020.1); c.1333A>G, p.Ser445Gly (NM_001413018.1, NM_001413019.1, NM_001413033.1 and 2 more transcripts); c.262A>G, p.Ser88Gly (NM_001413021.1, NM_001413022.1, NM_001413023.1 and 8 more transcripts); c.1204A>G, p.Ser402Gly (NM_001413025.1); c.196A>G, p.Ser66Gly (NM_001413027.1, NM_001413030.1, NM_001413031.1 and 2 more transcripts); c.982A>G, p.Ser328Gly (NM_001413029.1); c.-135A>G (NM_001413043.1); short protein forms S413G, S66G, S88G, S402G, S445G, S328G.
Identifiers: ClinVar variation 2148338 (VCV002148338.6), dbSNP rs2538063958, ClinGen allele CA372685610.

ClinVar aggregate classification (germline): Conflicting classifications of pathogenicity. Review status: criteria provided, conflicting classifications (1 of 4 stars). 2 submissions from 2 submitters: Uncertain significance (1); Likely benign (1). Last evaluated 2025-03-19.

Conditions:
Baller-Gerold syndrome (BGS). Also called: CRANIOSYNOSTOSIS WITH RADIAL DEFECTS. Identifiers: Orphanet 1225, MedGen C0265308, MONDO:0009039, OMIM 218600.
Inborn genetic diseases. Identifiers: MedGen C0950123, MeSH D030342.

Submissions (2):

Ambry Genetics
Classification: Likely benign for Inborn genetic diseases. Last evaluated: 2025-03-19. Review status: criteria provided, single submitter. Criteria: Ambry Variant Classification Scheme 2023. Collection method: clinical testing. Allele origin: germline.

Labcorp Genetics (formerly Invitae), Labcorp
Classification: Uncertain significance for Baller-Gerold syndrome. Last evaluated: 2022-10-08. Review status: criteria provided, single submitter. Criteria: Invitae Variant Classification Sherloc (09022015). Collection method: clinical testing. Allele origin: germline.
Comment: In summary, the available evidence is currently insufficient to determine the role of this variant in disease. Therefore, it has been classified as a Variant of Uncertain Significance. Experimental studies and prediction algorithms are not available or were not evaluated, and the functional significance of this variant is currently unknown. This variant has not been reported in the literature in individuals affected with RECQL4-related conditions. This variant is not present in population databases (gnomAD no frequency). This sequence change replaces serine, which is neutral and polar, with glycine, which is neutral and non-polar, at codon 445 of the RECQL4 protein (p.Ser445Gly).